The following is an entry in ClinVar:

ClinVar aggregate classification (germline): Uncertain significance (1 of 4 stars; one submission).

Submission:

ISCA Site 6
Classification: Uncertain significance. Last evaluated: 2011-08-12. Review status: criteria provided, single submitter. Criteria: Kaminsky et al. (Genet Med. 2011). Collection method: clinical testing. Allele origin: maternal. Affected: yes. Observed: 1 variant allele.
Comment: Copy number variation identified through the course of routine clinical cytogenomic testing in postnatal populations. Clinical assertions have been curated as described in Kaminsky et al. 2011.

GRCh38/hg38 22q11.22-11.23(chr22:22703701-24669609)x3

Genes: LRRC75B (leucine rich repeat containing 75B; minus strand), MIF (macrophage migration inhibitory factor; plus strand), MIF-AS1 (MIF antisense RNA 1; minus strand), MIR5571 (microRNA 5571; plus strand), MIR650 (microRNA 650; plus strand) and 154 more. Cytogenetic location: 22q11.22-11.23.
Variant type: copy number gain.
Change: copy number 3 (three copies instead of two) of chr22:22,703,701-24,669,609 (1.97 Mb, GRCh38 coordinates, 1-based), cytogenetic band 22q11.22-11.23.
Identifiers: ClinVar variation 59330 (VCV000059330.2).